The following is an entry in ClinVar:

ClinVar aggregate classification (germline): Likely benign. Review status: criteria provided, multiple submitters, no conflicts (2 of 4 stars). 3 submissions from 3 submitters: Likely benign (3). Last evaluated 2025-07-14.

Conditions:
Hereditary spastic paraplegia 11. Also called: Spastic Paraplegia 11; SPASTIC PARAPLEGIA, AUTOSOMAL RECESSIVE, COMPLICATED, WITH THIN CORPUS CALLOSUM; SPASTIC PARAPLEGIA, AUTOSOMAL RECESSIVE, WITH MENTAL IMPAIRMENT AND THIN CORPUS CALLOSUM; Nakamura Osame syndrome; Autosomal recessive hereditary spastic paraplegia, mental impairment, and thin corpus callosum; Spastic paraplegia, mental retardation and thin corpus callosum. Identifiers: Orphanet 2822, MedGen C1858479, MONDO:0011445, OMIM 604360.

Allele frequency attached by ClinVar (database versions not stated): gnomAD 0.00003.
gnomAD v4.1: 6 of 1,614,178 alleles (0.00037%); highest among the groups gnomAD compares: Non-Finnish European, 0.00042%; no homozygotes.

Submissions (3):

Mayo Clinic Laboratories, Mayo Clinic
Classification: Likely benign. Last evaluated: 2025-07-14. Review status: criteria provided, single submitter. Criteria: ACMG Guidelines, 2015. Collection method: clinical testing. Allele origin: germline. Observed: 1 variant allele.
Comment: BP4, BP7

Labcorp Genetics (formerly Invitae), Labcorp
Classification: Likely benign for Hereditary spastic paraplegia 11. Last evaluated: 2025-01-15. Review status: criteria provided, single submitter. Criteria: Invitae Variant Classification Sherloc (09022015). Collection method: clinical testing. Allele origin: germline.

CeGaT Center for Human Genetics Tuebingen
Classification: Likely benign. Last evaluated: 2022-04-01. Review status: criteria provided, single submitter. Criteria: CeGaT Center For Human Genetics Tuebingen Variant Classification Criteria Version 2. Collection method: clinical testing. Allele origin: germline. Affected: yes. Observed: 1 variant allele.
Comment: SPG11: PM2:Supporting, BP4, BP7

NM_025137.4(SPG11):c.1759T>C (p.Leu587=)

Gene: SPG11 (SPG11 vesicle trafficking associated, spatacsin; minus strand). Cytogenetic location: 15q21.1.
Variant type: single nucleotide variant.
Coding change: c.1759T>C on transcript NM_025137.4 (MANE Select); coding-DNA position 1759, T replaced by C.
Protein change: p.Leu587=; no amino-acid change (leucine 587 retained).
Molecular consequence: synonymous variant.
Genome position (GRCh38, 1-based): chr15:44,629,365, A>G on the plus strand (T>C on the coding strand, the complement: SPG11 is on the minus strand). VCF-style: chr15-44629365-A-G. GRCh37 (hg19) VCF-style: chr15-44921563-A-G.
Other names: p.Leu587=; c.1759T>C, p.Leu587= (NM_001160227.2).
Identifiers: ClinVar variation 705392 (VCV000705392.35), dbSNP rs1438765066, ClinGen allele CA490205799.